The following is an entry in ClinVar:

NC_000004.12:g.154591876G>A

Gene: FGA (fibrinogen alpha chain; minus strand). Cytogenetic location: 4q31.3.
Variant type: single nucleotide variant.
Genome position: GRCh38 VCF-style: chr4-154591876-G-A. GRCh37 (hg19) VCF-style: chr4-155513028-G-A.
Identifiers: ClinVar variation 4989953 (VCV004989953.1).

ClinVar aggregate classification (germline): Uncertain significance (1 of 4 stars; one submission).

Conditions:
FGA-related disorder. Also called: FGA-related disorders; FGA-related condition.

Submission:

PreventionGenetics, part of Exact Sciences
Classification: Uncertain significance for FGA-related condition. Last evaluated: 2026-02-15. Review status: criteria provided, single submitter. Criteria: ACMG Guidelines, 2015. Collection method: clinical testing. Allele origin: germline.
Comment: The FGA c.-1189C>T variant is located in the 5' untranslated region. This variant was reported in an individual with hypofibrinogenemia (Okumura et al. 2001. PubMed ID: 11460510). In vitro experimental studies indicate this variant reduces transcription of FGA mRNA (Okumura et al. 2001. PubMed ID: 11460510). This variant is reported in 0.012% of alleles in individuals of African descent in gnomAD. At this time, the clinical significance of this variant is uncertain due to the absence of conclusive functional and genetic evidence.